The following is an entry in ClinVar:

ClinVar aggregate classification (germline): Uncertain significance. Review status: criteria provided, multiple submitters, no conflicts (2 of 4 stars). 2 submissions from 2 submitters: Uncertain significance (2). Last evaluated 2025-01-20.

Conditions:
Inborn genetic diseases. Identifiers: MedGen C0950123, MeSH D030342.
Perry syndrome. Also called: PARKINSONISM WITH ALVEOLAR HYPOVENTILATION AND MENTAL DEPRESSION. Identifiers: Orphanet 178509, MedGen C1868594, MONDO:0008201, OMIM 168605.
Amyotrophic lateral sclerosis type 1 (ALS1). Also called: AMYOTROPHIC LATERAL SCLEROSIS 1, FAMILIAL. Identifiers: Orphanet 803, MedGen C1862939, MONDO:0007103, OMIM 105400.
Neuronopathy, distal hereditary motor, type 7B. Also called: NEURONOPATHY, DISTAL HEREDITARY MOTOR, AUTOSOMAL DOMINANT 14; NEURONOPATHY, DISTAL HEREDITARY MOTOR, HARDING TYPE VIIB; NEUROPATHY, DISTAL HEREDITARY MOTOR, HARDING TYPE VIIB; NEUROPATHY, DISTAL HEREDITARY MOTOR, WITH VOCAL CORD PARALYSIS, HARDING TYPE VIIB; HMN VIIB; LOWER MOTOR NEURON DISEASE, DYNACTIN TYPE. Identifiers: Orphanet 139589, MedGen C1843315, MONDO:0011879, OMIM 607641.

Allele frequency attached by ClinVar (database versions not stated): 1000 Genomes Project 0.00020; 1000 Genomes Project 30x 0.00031.

Submissions (2):

Ambry Genetics
Classification: Uncertain significance for Inborn genetic diseases. Last evaluated: 2025-01-20. Review status: criteria provided, single submitter. Criteria: Ambry Variant Classification Scheme 2023. Collection method: clinical testing. Allele origin: germline.

Labcorp Genetics (formerly Invitae), Labcorp
Classification: Uncertain significance for Amyotrophic lateral sclerosis type 1; Neuronopathy, distal hereditary motor, type 7B; Perry syndrome. Last evaluated: 2024-08-10. Review status: criteria provided, single submitter. Criteria: Invitae Variant Classification Sherloc (09022015). Collection method: clinical testing. Allele origin: germline.
Comment: This sequence change replaces arginine, which is basic and polar, with leucine, which is neutral and non-polar, at codon 411 of the DCTN1 protein (p.Arg411Leu). This variant is present in population databases (rs186892779, gnomAD 0.006%). This variant has not been reported in the literature in individuals affected with DCTN1-related conditions. ClinVar contains an entry for this variant (Variation ID: 1046552). Advanced modeling of protein sequence and biophysical properties (such as structural, functional, and spatial information, amino acid conservation, physicochemical variation, residue mobility, and thermodynamic stability) performed at Invitae indicates that this missense variant is not expected to disrupt DCTN1 protein function with a negative predictive value of 80%. In summary, the available evidence is currently insufficient to determine the role of this variant in disease. Therefore, it has been classified as a Variant of Uncertain Significance.

NM_004082.5(DCTN1):c.1232G>T (p.Arg411Leu)

Gene: DCTN1 (dynactin subunit 1; minus strand). Cytogenetic location: 2p13.1.
Variant type: single nucleotide variant.
Coding change: c.1232G>T on transcript NM_004082.5 (MANE Select); coding-DNA position 1232, G replaced by T.
Protein change: p.Arg411Leu; replaces arginine 411 with leucine.
Molecular consequence: missense variant. On other transcripts: non-coding transcript variant (1).
Genome position (GRCh38, 1-based): chr2:74,370,241, C>A on the plus strand (G>T on the coding strand, the complement: DCTN1 is on the minus strand). VCF-style: chr2-74370241-C-A. GRCh37 (hg19) VCF-style: chr2-74597368-C-A.
Other names: c.1232G>T (NM_004082.4); c.1172G>T, p.Arg391Leu (NM_001135040.3); c.830G>T, p.Arg277Leu (NM_001135041.3, NM_023019.4); c.1121G>T, p.Arg374Leu (NM_001190836.2); c.1211G>T, p.Arg404Leu (NM_001190837.2); c.1181G>T, p.Arg394Leu (NM_001378991.1); c.1163G>T, p.Arg388Leu (NM_001378992.1); short protein forms R411L, R388L, R394L, R404L, R374L, R391L, R277L.
Identifiers: ClinVar variation 1046552 (VCV001046552.10), dbSNP rs186892779, ClinGen allele CA50476859.
Genomic context (GRCh38, chr2:74,370,241, plus strand): 5'-CAGACCTGCTCCTTGAGCTCATCAATGGTGCTCTCTGCCTGGCTTAGCTCCTCCTGCAGA[C>A]GCTCCCGCTGTTGCCTCACAACTTCCAGCTCTTGGTTCTTCTTTTCCATGAGCTTCTGGA-3'
Protein context (NP_004073.2, residues 401-421): ELEVVRQQRE[Arg411Leu]LQEELSQAES